The following is an entry in ClinVar:

ClinVar aggregate classification (germline): Benign/Likely benign. Review status: criteria provided, multiple submitters, no conflicts (2 of 4 stars). 2 submissions from 2 submitters: Benign (1); Likely benign (1). Last evaluated 2024-10-08.

Conditions:
Familial cancer of breast. Also called: BREAST CANCER, FAMILIAL; hereditary breast carcinoma; Hereditary breast cancer. Identifiers: Orphanet 227535, MedGen C0346153, MONDO:0016419, OMIM 114480. Disease mechanism: loss of function.

Submissions (2):

Myriad Genetics, Inc.
Classification: Benign for Familial cancer of breast. Last evaluated: 2024-10-08. Review status: criteria provided, single submitter. Criteria: Myriad Autosomal Dominant, Autosomal Recessive and X-Linked Classification Criteria (2023). Collection method: clinical testing. Allele origin: unknown.
Comment: This variant is considered benign. This variant is a silent/synonymous amino acid change and it is not expected to impact splicing.

Labcorp Genetics (formerly Invitae), Labcorp
Classification: Likely benign for Familial cancer of breast. Last evaluated: 2024-08-27. Review status: criteria provided, single submitter. Criteria: Invitae Variant Classification Sherloc (09022015). Collection method: clinical testing. Allele origin: germline.

NM_007194.4(CHEK2):c.1422T>C (p.Arg474=)

Gene: CHEK2 (checkpoint kinase 2; minus strand). Cytogenetic location: 22q12.1.
Variant type: single nucleotide variant.
Coding change: c.1422T>C on transcript NM_007194.4 (MANE Select); coding-DNA position 1422, T replaced by C.
Protein change: p.Arg474=; no amino-acid change (arginine 474 retained).
Molecular consequence: synonymous variant.
Genome position (GRCh38, 1-based): chr22:28,694,071, A>G on the plus strand (T>C on the coding strand, the complement: CHEK2 is on the minus strand). VCF-style: chr22-28694071-A-G. GRCh37 (hg19) VCF-style: chr22-29090059-A-G.
Other names: c.1551T>C, p.Arg517= (NM_001005735.3); c.759T>C, p.Arg253= (NM_001257387.3); c.1221T>C, p.Arg407= (NM_001349956.3); c.1335T>C, p.Arg445= (NM_145862.3).
Identifiers: ClinVar variation 3630930 (VCV003630930.3).